The following is an entry in ClinVar:

NM_001371986.1(UNC80):c.3000T>C (p.Cys1000=)

Gene: UNC80 (unc-80 subunit of NALCN channel complex; plus strand). Cytogenetic location: 2q34.
Variant type: single nucleotide variant.
Coding change: c.3000T>C on transcript NM_001371986.1 (MANE Select); coding-DNA position 3000, T replaced by C.
Protein change: p.Cys1000=; no amino-acid change (cysteine 1000 retained).
Molecular consequence: synonymous variant.
Genome position (GRCh38, 1-based): chr2:209,834,969, T>C. VCF-style: chr2-209834969-T-C. GRCh37 (hg19) VCF-style: chr2-210699693-T-C.
Other names: c.3000T>C, p.Cys1000= (NM_032504.2); c.2985T>C, p.Cys995= (NM_182587.4).
Identifiers: ClinVar variation 789568 (VCV000789568.16), dbSNP rs139128995, ClinGen allele CA2083065.

ClinVar aggregate classification (germline): Benign/Likely benign. Review status: criteria provided, multiple submitters, no conflicts (2 of 4 stars). 5 submissions from 5 submitters: Benign (3); Likely benign (1). 1 of the submissions does not count toward it. Last evaluated 2026-01-23.

Conditions:
UNC80-related disorder. Also called: UNC80-related condition.
Hypotonia, infantile, with psychomotor retardation and characteristic facies 2 (IHPRF2). Also called: UNC80 Deficiency. Identifiers: Orphanet 371364, Orphanet 700333, MedGen C4225203, MONDO:0014777, OMIM 616801.

Allele frequency attached by ClinVar (database versions not stated): gnomAD exomes 0.00055 and 0.00154; ExAC 0.00173; ESP Exome Variant Server 0.00241; gnomAD 0.00499 and 0.00530; TOPMed 0.00570; 1000 Genomes Project 0.00619; 1000 Genomes Project 30x 0.00671.
gnomAD v4.1: 1,595 of 1,551,280 alleles (0.1%); highest among the groups gnomAD compares: African/African-American, 1.5%; 10 homozygotes.

Submissions (5):

Labcorp Genetics (formerly Invitae), Labcorp
Classification: Benign. Last evaluated: 2026-01-23. Review status: criteria provided, single submitter. Criteria: Invitae Variant Classification Sherloc (09022015). Collection method: clinical testing. Allele origin: germline.

Blueprint Genetics
Classification: Likely benign. Last evaluated: 2024-11-25. Review status: criteria provided, single submitter. Criteria: ACMG Guidelines, 2015. Collection method: clinical testing. Allele origin: germline.

ARUP Laboratories, Molecular Genetics and Genomics, ARUP Laboratories
Classification: Benign for Hypotonia, infantile, with psychomotor retardation and characteristic facies 2. Last evaluated: 2024-06-28. Review status: criteria provided, single submitter. Criteria: ARUP Molecular Germline Variant Investigation Process 2024. Collection method: clinical testing. Allele origin: germline.

Breakthrough Genomics
Classification: Benign. Review status: criteria provided, single submitter. Criteria: ACMG Guidelines, 2015. Collection method: not provided. Allele origin: germline. Inheritance: Autosomal recessive inheritance. Affected: yes.

PreventionGenetics, part of Exact Sciences
Classification: Benign for UNC80-related condition. Last evaluated: 2019-07-22. Review status: no assertion criteria provided. Collection method: clinical testing. Allele origin: germline. Not counted in ClinVar's aggregate classification.
Comment: This variant is classified as benign based on ACMG/AMP sequence variant interpretation guidelines (Richards et al. 2015 PMID: 25741868, with internal and published modifications).